The following is an entry in ClinVar:

ClinVar aggregate classification (germline): Uncertain significance (1 of 4 stars; one submission).

Conditions:
Familial cold autoinflammatory syndrome 3 (FCAS3). Also called: FAMILIAL ATYPICAL COLD URTICARIA; ANTIBODY DEFICIENCY AND IMMUNE DYSREGULATION, PLCG2-ASSOCIATED. Identifiers: Orphanet 300359, MedGen C3280914, MONDO:0013766, OMIM 614468.

Submission:

Labcorp Genetics (formerly Invitae), Labcorp
Classification: Uncertain significance for Familial cold autoinflammatory syndrome 3. Last evaluated: 2023-08-04. Review status: criteria provided, single submitter. Criteria: Invitae Variant Classification Sherloc (09022015). Collection method: clinical testing. Allele origin: germline.
Comment: This sequence change replaces glutamic acid, which is acidic and polar, with glycine, which is neutral and non-polar, at codon 1234 of the PLCG2 protein (p.Glu1234Gly). This variant is not present in population databases (gnomAD no frequency). This variant has not been reported in the literature in individuals affected with PLCG2-related conditions. ClinVar contains an entry for this variant (Variation ID: 1714714). An algorithm developed to predict the effect of missense changes on protein structure and function (PolyPhen-2) suggests that this variant is likely to be disruptive. In summary, the available evidence is currently insufficient to determine the role of this variant in disease. Therefore, it has been classified as a Variant of Uncertain Significance.

NM_002661.5(PLCG2):c.3701A>G (p.Glu1234Gly)

Gene: PLCG2 (phospholipase C gamma 2; plus strand). Cytogenetic location: 16q23.3.
Variant type: single nucleotide variant.
Coding change: c.3701A>G on transcript NM_002661.5 (MANE Select); coding-DNA position 3701, A replaced by G.
Protein change: p.Glu1234Gly; replaces glutamic acid 1234 with glycine.
Molecular consequence: missense variant.
Genome position (GRCh38, 1-based): chr16:81,956,825, A>G. VCF-style: chr16-81956825-A-G. GRCh37 (hg19) VCF-style: chr16-81990430-A-G.
Other names: short protein forms E1234G.
Identifiers: ClinVar variation 1714714 (VCV001714714.5), dbSNP rs1332140540, ClinGen allele CA396898441.